The following is an entry in ClinVar:

NM_000159.4(GCDH):c.124A>T (p.Lys42Ter)

Genes: GCDH (glutaryl-CoA dehydrogenase; plus strand), LOC117125594 (CRISPRi-FlowFISH-validated KLF1 regulatory element; plus strand). Cytogenetic location: 19p13.13.
Variant type: single nucleotide variant.
Coding change: c.124A>T on transcript NM_000159.4 (MANE Select); coding-DNA position 124, A replaced by T.
Protein change: p.Lys42Ter; replaces lysine 42 with a stop codon.
Molecular consequence: nonsense. On other transcripts: non-coding transcript variant (2).
Genome position (GRCh38, 1-based): chr19:12,891,519, A>T. VCF-style: chr19-12891519-A-T. GRCh37 (hg19) VCF-style: chr19-13002333-A-T.
Other names: c.124A>T, p.Lys42Ter (NM_013976.5); short protein forms K42*.
Identifiers: ClinVar variation 984308 (VCV000984308.3), dbSNP rs1252148225, ClinGen allele CA404314488.

ClinVar aggregate classification (germline): Likely pathogenic (1 of 4 stars; one submission).

Conditions:
Glutaric aciduria, type 1. Also called: Glutaricaciduria, type I; GA I; Glutaric acidemia type I; Glutaricacidemia Type 1; Glutaryl-CoA dehydrogenase deficiency; Glutaric Acidemia Type 1. Identifiers: Orphanet 25, MedGen C0268595, MONDO:0009281, OMIM 231670.

Submission:

Myriad Genetics, Inc.
Classification: Likely pathogenic for Glutaric aciduria, type 1. Last evaluated: 2019-05-31. Review status: criteria provided, single submitter. Criteria: Myriad Women's Health Autosomal Recessive and X-Linked Classification Criteria (2019). Collection method: clinical testing. Allele origin: unknown.
Comment: NM_000159.2(GCDH):c.124A>T(K42*) is expected to be pathogenic in the context of glutaric acidemia, GCDH-related. This variant is predicted to lead to an abnormal or absent protein product due to the creation of a premature termination codon in GCDH, a gene where loss-of-function variants are known to be pathogenic. Please note: this variant was assessed in the context of healthy population screening.